The following is an entry in ClinVar:

NM_000313.4(PROS1):c.701A>G (p.Tyr234Cys)

Gene: PROS1 (protein S; minus strand). Cytogenetic location: 3q11.1.
Variant type: single nucleotide variant.
Coding change: c.701A>G on transcript NM_000313.4 (MANE Select); coding-DNA position 701, A replaced by G.
Protein change: p.Tyr234Cys; replaces tyrosine 234 with cysteine.
Molecular consequence: missense variant.
Genome position (GRCh38, 1-based): chr3:93,900,830, T>C on the plus strand (A>G on the coding strand, the complement: PROS1 is on the minus strand). VCF-style: chr3-93900830-T-C. GRCh37 (hg19) VCF-style: chr3-93619674-T-C.
Other names: c.797A>G, p.Tyr266Cys (NM_001314077.2); short protein forms Y234C, Y266C.
Identifiers: ClinVar variation 29849 (VCV000029849.6), dbSNP rs387906675, ClinGen allele CA128690.
Genomic context (GRCh38, chr3:93,900,830, plus strand): 5'-TCCACCATCAGTAATGATACCACCATCATCCTACCTTCACAAGACTTTGATTTGAGATTA[T>C]ATCTGTAGCCTTCGGGGCATTCACATTCAAAATCTCCTGGGATGTTCTTGCACACAGCTG-3'
Protein context (NP_000304.2, residues 224-244): FECECPEGYR[Tyr234Cys]NLKSKSCEDI

ClinVar aggregate classification (germline): Conflicting classifications of pathogenicity. Review status: criteria provided, conflicting classifications (1 of 4 stars). 4 submissions from 4 submitters: Likely pathogenic (1); Uncertain significance (1). 2 of the submissions do not count toward it. Last evaluated 2025-10-15.

Conditions:
Thrombophilia due to protein S deficiency, autosomal recessive (THPH6). Identifiers: Orphanet 743, MedGen C3281092, MONDO:0013791, OMIM 614514. Disease mechanism: loss of function.
Thrombophilia due to protein S deficiency, autosomal dominant (THPH5). Identifiers: Orphanet 26349, Orphanet 743, MedGen C3278211, MONDO:0012868, OMIM 612336. Disease mechanism: loss of function.
Protein S deficiency disease. Also called: Protein S deficiency. Identifiers: MedGen C0242666, MeSH D018455, MONDO:0002304.

Allele frequency attached by ClinVar (database versions not stated): gnomAD exomes below 0.00001.

Submissions (4):

Labcorp Genetics (formerly Invitae), Labcorp
Classification: Uncertain significance for Thrombophilia due to protein S deficiency, autosomal recessive. Last evaluated: 2025-10-15. Review status: criteria provided, single submitter. Criteria: Invitae Variant Classification Sherloc (09022015). Collection method: clinical testing. Allele origin: germline.
Comment: This sequence change replaces tyrosine, which is neutral and polar, with cysteine, which is neutral and slightly polar, at codon 234 of the PROS1 protein (p.Tyr234Cys). This variant is present in population databases (rs387906675, gnomAD 0.0009%). This missense change has been observed in individual(s) with clinical features of protein S deficiency (PMID: 20484936, 22261441). ClinVar contains an entry for this variant (Variation ID: 29849). Invitae Evidence Modeling of protein sequence and biophysical properties (such as structural, functional, and spatial information, amino acid conservation, physicochemical variation, residue mobility, and thermodynamic stability) has been performed for this missense variant. However, the output from this modeling did not meet the statistical confidence thresholds required to predict the impact of this variant on PROS1 protein function. In summary, the available evidence is currently insufficient to determine the role of this variant in disease. Therefore, it has been classified as a Variant of Uncertain Significance.

Clinical Genetics Laboratory, Skane University Hospital Lund
Classification: Likely pathogenic for Protein S deficiency disease. Last evaluated: 2024-07-16. Review status: criteria provided, single submitter. Criteria: ACMG Guidelines, 2015. Collection method: clinical testing. Allele origin: germline. Affected: yes.
Comment: PS4, PM2, PP1, PP3

Department of Transfusion Medicine and Hemostaseology, University Hospital Erlangen
Classification: Likely pathogenic for Thrombophilia due to protein S deficiency, autosomal dominant. Last evaluated: 2025-09-01. Review status: no assertion criteria provided. Collection method: clinical testing. Allele origin: germline. Not counted in ClinVar's aggregate classification.
Comment: This variant was identified during a screening of patients with suspected hereditary Protein S deficiency. It has been described in the literature as correlating with protein S deficiency (PMID: 20484936, 22261441), but has not been characterized in vitro. No allele frequency is reported in dbSNP. While PolyPhen-2 and SIFT classify this variant as likely pathogenic, it is classified as of uncertain significance by AlphaMissense. Taken together, we classified this variant as likely pathogenic.

OMIM
Classification: Pathogenic for THROMBOPHILIA DUE TO PROTEIN S DEFICIENCY, AUTOSOMAL RECESSIVE. Last evaluated: 2010-01-01. Review status: no assertion criteria provided. Collection method: literature only. Allele origin: germline. Not counted in ClinVar's aggregate classification.

Literature cited by the submitters: PubMed 20484936 (cited by 3 submitters); PubMed 22261441 (cited by Labcorp Genetics (formerly Invitae), Labcorp and Department of Transfusion Medicine and Hemostaseology, University Hospital Erlangen).